The following is an entry in ClinVar:

NM_004341.5(CAD):c.510C>T (p.Phe170=)

Gene: CAD (carbamoyl-phosphate synthetase 2, aspartate transcarbamylase, and dihydroorotase; plus strand). Cytogenetic location: 2p23.3.
Variant type: single nucleotide variant.
Coding change: c.510C>T on transcript NM_004341.5 (MANE Select); coding-DNA position 510, C replaced by T.
Protein change: p.Phe170=; no amino-acid change (phenylalanine 170 retained).
Molecular consequence: synonymous variant.
Genome position (GRCh38, 1-based): chr2:27,222,533, C>T. VCF-style: chr2-27222533-C-T. GRCh37 (hg19) VCF-style: chr2-27445401-C-T.
Other names: c.510C>T, p.Phe170= (NM_001306079.2).
Identifiers: ClinVar variation 2038446 (VCV002038446.4), dbSNP rs753001075, ClinGen allele CA1572453.
Genomic context (GRCh38, chr2:27,222,533, plus strand): 5'-CTGAGCACAGCTGCCAACTGTTGCCCTTTATTCGTCTATTTCTCAGACTCCACGGGTATT[C>T]AATACAGGGGGTGCCCCTCGGATCCTTGCTTTGGACTGTGGCCTCAAGTATAATCAGATC-3'
Protein context (NP_004332.2, residues 160-180): PEVSIKTPRV[Phe170=]NTGGAPRILA

ClinVar aggregate classification (germline): Uncertain significance (1 of 4 stars; one submission).

Allele frequency attached by ClinVar (database versions not stated): gnomAD exomes below 0.00001; TOPMed below 0.00001; ExAC 0.00002.
gnomAD v4.1: 1 of 1,614,058 alleles (0.000062%); highest among the groups gnomAD compares: African/African-American, 0.0013%; no homozygotes.

Submission:

Labcorp Genetics (formerly Invitae), Labcorp
Classification: Uncertain significance. Last evaluated: 2022-02-27. Review status: criteria provided, single submitter. Criteria: Invitae Variant Classification Sherloc (09022015). Collection method: clinical testing. Allele origin: germline.
Comment: This variant is present in population databases (rs753001075, gnomAD 0.007%). In summary, the available evidence is currently insufficient to determine the role of this variant in disease. Therefore, it has been classified as a Variant of Uncertain Significance. Algorithms developed to predict the effect of sequence changes on RNA splicing suggest that this variant may create or strengthen a splice site. This variant has not been reported in the literature in individuals affected with CAD-related conditions. This sequence change affects codon 170 of the CAD mRNA. It is a 'silent' change, meaning that it does not change the encoded amino acid sequence of the CAD protein.